The following is an entry in ClinVar:

ClinVar aggregate classification (germline): Uncertain significance (0 of 4 stars; one submission).

Conditions:
KMT2D-related disorder. Also called: KMT2D-Related Disorders.

Submission:

PreventionGenetics, part of Exact Sciences
Classification: Uncertain significance for KMT2D-related condition. Last evaluated: 2024-05-31. Review status: no assertion criteria provided. Collection method: clinical testing. Allele origin: germline.
Comment: The KMT2D c.9025C>G variant is predicted to result in the amino acid substitution p.Leu3009Val. To our knowledge, this variant has not been reported in the literature or in a large population database, indicating this variant is rare. At this time, the clinical significance of this variant is uncertain due to the absence of conclusive functional and genetic evidence.

NM_003482.4(KMT2D):c.9025C>G (p.Leu3009Val)

Gene: KMT2D (lysine methyltransferase 2D; minus strand). Cytogenetic location: 12q13.12.
Variant type: single nucleotide variant.
Coding change: c.9025C>G on transcript NM_003482.4 (MANE Select); coding-DNA position 9025, C replaced by G.
Protein change: p.Leu3009Val; replaces leucine 3009 with valine.
Molecular consequence: missense variant.
Genome position (GRCh38, 1-based): chr12:49,038,331, G>C on the plus strand (C>G on the coding strand, the complement: KMT2D is on the minus strand). VCF-style: chr12-49038331-G-C. GRCh37 (hg19) VCF-style: chr12-49432114-G-C.
Other names: short protein forms L3009V.
Identifiers: ClinVar variation 3344886 (VCV003344886.1).